The following is an entry in ClinVar:

NM_138927.4(SON):c.880C>T (p.Pro294Ser)

Gene: SON (SON DNA and RNA binding protein; plus strand). Cytogenetic location: 21q22.11.
Variant type: single nucleotide variant.
Coding change: c.880C>T on transcript NM_138927.4 (MANE Select); coding-DNA position 880, C replaced by T.
Protein change: p.Pro294Ser; replaces proline 294 with serine.
Molecular consequence: missense variant. On other transcripts: non-coding transcript variant (1), intron variant (1).
Genome position (GRCh38, 1-based): chr21:33,550,111, C>T. VCF-style: chr21-33550111-C-T. GRCh37 (hg19) VCF-style: chr21-34922417-C-T.
Other names: c.880C>T, p.Pro294Ser (NM_001291411.2, NM_032195.3); c.244+3732C>T (NM_001291412.3); short protein forms P294S.
Identifiers: ClinVar variation 4687608 (VCV004687608.1).

ClinVar aggregate classification (germline): Uncertain significance (1 of 4 stars; one submission).

Submission:

Women's Health and Genetics/Laboratory Corporation of America, LabCorp
Classification: Uncertain significance. Last evaluated: 2025-10-02. Review status: criteria provided, single submitter. Criteria: LabCorp Variant Classification Summary - May 2015. Collection method: clinical testing. Allele origin: germline.
Comment: Variant summary: SON c.880C>T (p.Pro294Ser) results in a non-conservative amino acid change in the encoded protein sequence. Algorithms developed to predict the effect of missense changes on protein structure and function are either unavailable or do not agree on the potential impact of this missense change. The variant allele was found at a frequency of 2e-05 in 251172 control chromosomes. The available data on variant occurrences in the general population are insufficient to allow any conclusion about variant significance. To our knowledge, no occurrence of c.880C>T in individuals affected with SON-related conditions and no experimental evidence demonstrating its impact on protein function have been reported. No submitters have cited clinical-significance assessments for this variant to ClinVar. Based on the evidence outlined above, the variant was classified as uncertain significance.